The following is an entry in ClinVar:

NM_005228.5(EGFR):c.2758G>T (p.Ala920Ser)

Gene: EGFR (epidermal growth factor receptor; plus strand). Cytogenetic location: 7p11.2.
Variant type: single nucleotide variant.
Coding change: c.2758G>T on transcript NM_005228.5 (MANE Select); coding-DNA position 2758, G replaced by T.
Protein change: p.Ala920Ser; replaces alanine 920 with serine.
Molecular consequence: missense variant.
Genome position (GRCh38, 1-based): chr7:55,198,773, G>T. VCF-style: chr7-55198773-G-T. GRCh37 (hg19) VCF-style: chr7-55266466-G-T.
Other names: c.2623G>T, p.Ala875Ser (NM_001346897.2, NM_001346899.2); c.2758G>T, p.Ala920Ser (NM_001346898.2); c.2599G>T, p.Ala867Ser (NM_001346900.2); c.1957G>T, p.Ala653Ser (NM_001346941.2); short protein forms A875S, A867S, A653S, A920S.
Identifiers: ClinVar variation 2076157 (VCV002076157.4), dbSNP rs2128968736, ClinGen allele CA367581292.
Genomic context (GRCh38, chr7:55,198,773, plus strand): 5'-TCAGGGGTGACTGTTTGGGAGTTGATGACCTTTGGATCCAAGCCATATGACGGAATCCCT[G>T]CCAGCGAGATCTCCTCCATCCTGGAGAAAGGAGAACGCCTCCCTCAGCCACCCATATGTA-3'
Protein context (NP_005219.2, residues 910-930): FGSKPYDGIP[Ala920Ser]SEISSILEKG

ClinVar aggregate classification (germline): Uncertain significance (1 of 4 stars; one submission).

Conditions:
EGFR-related lung cancer (EGFR). Identifiers: MedGen CN130014.

Submission:

Labcorp Genetics (formerly Invitae), Labcorp
Classification: Uncertain significance for EGFR-related lung cancer. Last evaluated: 2022-01-06. Review status: criteria provided, single submitter. Criteria: Invitae Variant Classification Sherloc (09022015). Collection method: clinical testing. Allele origin: germline.
Comment: This variant has not been reported in the literature in individuals affected with EGFR-related conditions. This variant is not present in population databases (gnomAD no frequency). This sequence change replaces alanine, which is neutral and non-polar, with serine, which is neutral and polar, at codon 920 of the EGFR protein (p.Ala920Ser). In summary, the available evidence is currently insufficient to determine the role of this variant in disease. Therefore, it has been classified as a Variant of Uncertain Significance. Algorithms developed to predict the effect of missense changes on protein structure and function are either unavailable or do not agree on the potential impact of this missense change (SIFT: "Tolerated"; PolyPhen-2: "Probably Damaging"; Align-GVGD: "Class C0").